The following is an entry in ClinVar:

NM_000077.5(CDKN2A):c.340C>T (p.Pro114Ser)

Gene: CDKN2A (cyclin dependent kinase inhibitor 2A; minus strand). Cytogenetic location: 9p21.3.
Variant type: single nucleotide variant.
Coding change: c.340C>T on transcript NM_000077.5; coding-DNA position 340, C replaced by T.
Protein change: p.Pro114Ser; replaces proline 114 with serine.
Molecular consequence: missense variant (on NM_000077.6). On other transcripts: 3 prime UTR variant (1).
Genome position (GRCh38, 1-based): chr9:21,971,019, G>A on the plus strand (C>T on the coding strand, the complement: CDKN2A is on the minus strand). VCF-style: chr9-21971019-G-A. GRCh37 (hg19) VCF-style: chr9-21971018-G-A.
Other names: c.340C>T, p.Pro114Ser (NM_000077.6, NM_001195132.2); c.187C>T, p.Pro63Ser (NM_001363763.2); c.383C>T, p.Ala128Val (NM_058195.4); c.*263C>T (NM_058197.5); short protein forms P114S, A128V, P63S.
Identifiers: ClinVar variation 1405931 (VCV001405931.8), dbSNP rs104894104, ClinGen allele CA190729894.
Genomic context (GRCh38, chr9:21,971,019, plus strand): 5'-CAGCCGCGCGCAGGTACCGTGCGACATCGCGATGGCCCAGCTCCTCAGCCAGGTCCACGG[G>A]CAGACGGCCCCAGGCATCGCGCACGTCCAGCCGCGCCCCGGCCCGGTGCAGCACCACCAG-3'
Protein context (NP_000068.1, residues 104-124): LDVRDAWGRL[Pro114Ser]VDLAEELGHR

ClinVar aggregate classification (germline): Uncertain significance (1 of 4 stars; one submission).

Conditions:
Familial melanoma. Also called: Hereditary melanoma; Hereditary cutaneous melanoma. Identifiers: Orphanet 618, MedGen C1512419, MONDO:0018961.

Allele frequency attached by ClinVar (database versions not stated): gnomAD 0.00001; 1000 Genomes Project 30x 0.00016; 1000 Genomes Project 0.00020.

Submission:

Labcorp Genetics (formerly Invitae), Labcorp
Classification: Uncertain significance for Familial melanoma. Last evaluated: 2020-11-26. Review status: criteria provided, single submitter. Criteria: Invitae Variant Classification Sherloc (09022015). Collection method: clinical testing. Allele origin: germline.
Comment: This missense change has been observed in individual(s) with melanoma (PMID: 11579459, 21462282, 16905682, 17492760, 19484507, 17992122, 17047042, 26775776, 22841127). The CDKN2A gene encodes two different proteins, p16INK4a and p14ARF, which are translated from alternative transcripts that have different open reading frames. In summary, the available evidence is currently insufficient to determine the role of this variant in disease. Therefore, it has been classified as a Variant of Uncertain Significance. Experimental studies are conflicting or provide insufficient evidence to determine the effect of p.Pro114Ser variant on p16INK4a protein function (PMID: 9053859, 19260062, 21462282, 23190892, 24659262). The functional impact of p.Ala128Val on p14ARF has not been tested. This variant is not present in population databases (ExAC no frequency). This sequence change replaces proline with serine at codon 114 of the p16INK4a protein (p.Pro114Ser). The proline residue is highly conserved and there is a moderate physicochemical difference between proline and serine. Alternatively, this sequence change replaces alanine with valine at codon 128 of the p14ARF protein (p.Ala128Val). The alanine residue is highly conserved and there is a small physicochemical difference between alanine and valine.

Literature cited by the submitters: PubMed 11579459; PubMed 21462282; PubMed 16905682; PubMed 17492760; PubMed 19484507; PubMed 17992122; PubMed 17047042; PubMed 26775776; PubMed 22841127; PubMed 9053859; PubMed 19260062; PubMed 23190892; PubMed 24659262.